The following is an entry in ClinVar:

NM_006514.4(SCN10A):c.5488A>G (p.Met1830Val)

Gene: SCN10A (sodium voltage-gated channel alpha subunit 10; minus strand). Cytogenetic location: 3p22.2.
Variant type: single nucleotide variant.
Coding change: c.5488A>G on transcript NM_006514.4 (MANE Select); coding-DNA position 5488, A replaced by G.
Protein change: p.Met1830Val; replaces methionine 1830 with valine.
Molecular consequence: missense variant.
Genome position (GRCh38, 1-based): chr3:38,697,732, T>C on the plus strand (A>G on the coding strand, the complement: SCN10A is on the minus strand). VCF-style: chr3-38697732-T-C. GRCh37 (hg19) VCF-style: chr3-38739223-T-C.
Other names: c.5485A>G, p.Met1829Val (NM_001293306.2); c.5194A>G, p.Met1732Val (NM_001293307.2); short protein forms M1732V, M1829V, M1830V.
Identifiers: ClinVar variation 1329028 (VCV001329028.6), dbSNP rs1253727199, ClinGen allele CA352153233.

ClinVar aggregate classification (germline): Uncertain significance. Review status: criteria provided, multiple submitters, no conflicts (2 of 4 stars). 2 submissions from 2 submitters: Uncertain significance (2). Last evaluated 2024-11-13.

Conditions:
Brugada syndrome. Also called: Sudden Unexplained Death Syndrome; Sudden Unexplained Nocturnal Death Syndrome (SUNDS); Sudden unexplained nocturnal death syndrome; Sudden unexpected nocturnal death syndrome. Identifiers: Orphanet 130, MedGen C1142166, MONDO:0015263.

Allele frequency attached by ClinVar (database versions not stated): gnomAD exomes below 0.00001.

Submissions (2):

Labcorp Genetics (formerly Invitae), Labcorp
Classification: Uncertain significance for Brugada syndrome. Last evaluated: 2024-11-13. Review status: criteria provided, single submitter. Criteria: Invitae Variant Classification Sherloc (09022015). Collection method: clinical testing. Allele origin: germline.
Comment: This sequence change replaces methionine, which is neutral and non-polar, with valine, which is neutral and non-polar, at codon 1830 of the SCN10A protein (p.Met1830Val). This variant is present in population databases (no rsID available, gnomAD 0.0009%). This variant has not been reported in the literature in individuals affected with SCN10A-related conditions. ClinVar contains an entry for this variant (Variation ID: 1329028). Invitae Evidence Modeling of protein sequence and biophysical properties (such as structural, functional, and spatial information, amino acid conservation, physicochemical variation, residue mobility, and thermodynamic stability) indicates that this missense variant is not expected to disrupt SCN10A protein function with a negative predictive value of 80%. In summary, the available evidence is currently insufficient to determine the role of this variant in disease. Therefore, it has been classified as a Variant of Uncertain Significance.

Women's Health and Genetics/Laboratory Corporation of America, LabCorp
Classification: Uncertain significance. Last evaluated: 2021-11-04. Review status: criteria provided, single submitter. Criteria: LabCorp Variant Classification Summary - May 2015. Collection method: clinical testing. Allele origin: germline.
Comment: Variant summary: SCN10A c.5488A>G (p.Met1830Val) results in a conservative amino acid change in the encoded protein sequence. Three of five in-silico tools predict a damaging effect of the variant on protein function. The variant allele was found at a frequency of 4e-06 in 251244 control chromosomes. The available data on variant occurrences in the general population are insufficient to allow any conclusion about variant significance. To our knowledge, no occurrence of c.5488A>G in individuals affected with SCN10A-Related Disorders and no experimental evidence demonstrating its impact on protein function have been reported. No clinical diagnostic laboratories have submitted clinical-significance assessments for this variant to ClinVar after 2014. Based on the evidence outlined above, the variant was classified as uncertain significance.